The following is an entry in ClinVar:

ClinVar aggregate classification (germline): Uncertain significance (1 of 4 stars; one submission).

Conditions:
Myofibrillar myopathy 4. Also called: Zaspopathy (type). Identifiers: Orphanet 98912, MedGen C4721886, MONDO:0012277, OMIM 609452.

Allele frequency attached by ClinVar (database versions not stated): TOPMed below 0.00001; gnomAD 0.00001; gnomAD exomes 0.00001.
gnomAD v4.1: 20 of 1,614,058 alleles (0.0012%); highest among the groups gnomAD compares: Non-Finnish European, 0.0017%; no homozygotes.

Submission:

Labcorp Genetics (formerly Invitae), Labcorp
Classification: Uncertain significance for Myofibrillar myopathy 4. Last evaluated: 2022-04-25. Review status: criteria provided, single submitter. Criteria: Invitae Variant Classification Sherloc (09022015). Collection method: clinical testing. Allele origin: germline.
Comment: In summary, the available evidence is currently insufficient to determine the role of this variant in disease. Therefore, it has been classified as a Variant of Uncertain Significance. Algorithms developed to predict the effect of missense changes on protein structure and function are either unavailable or do not agree on the potential impact of this missense change (SIFT: "Deleterious"; PolyPhen-2: "Possibly Damaging"; Align-GVGD: "Class C0"). This missense change has been observed in individual(s) with dilated cardiomyopathy (PMID: 30847666). This variant is not present in population databases (gnomAD no frequency). This sequence change replaces leucine, which is neutral and non-polar, with proline, which is neutral and non-polar, at codon 100 of the LDB3 protein (p.Leu100Pro).

Literature cited by the submitters: PubMed 30847666.

NM_007078.3(LDB3):c.299T>C (p.Leu100Pro)

Gene: LDB3 (LIM domain binding 3; plus strand). Cytogenetic location: 10q23.2.
Variant type: single nucleotide variant.
Coding change: c.299T>C on transcript NM_007078.3 (MANE Select); coding-DNA position 299, T replaced by C.
Protein change: p.Leu100Pro; replaces leucine 100 with proline.
Molecular consequence: missense variant.
Genome position (GRCh38, 1-based): chr10:86,680,135, T>C. VCF-style: chr10-86680135-T-C. GRCh37 (hg19) VCF-style: chr10-88439892-T-C.
Other names: c.299T>C, p.Leu100Pro (NM_001080114.2, NM_001080115.2, NM_001080116.1 and 8 more transcripts); short protein forms L100P.
Identifiers: ClinVar variation 2064359 (VCV002064359.4), dbSNP rs1845030216, ClinGen allele CA377452374.